The following is an entry in ClinVar:

NM_001378609.3(OTOGL):c.1878G>C (p.Arg626Ser)

Gene: OTOGL (otogelin like; plus strand). Cytogenetic location: 12q21.31.
Variant type: single nucleotide variant.
Coding change: c.1878G>C on transcript NM_001378609.3 (MANE Select); coding-DNA position 1878, G replaced by C.
Protein change: p.Arg626Ser; replaces arginine 626 with serine.
Molecular consequence: missense variant.
Genome position (GRCh38, 1-based): chr12:80,257,991, G>C. VCF-style: chr12-80257991-G-C. GRCh37 (hg19) VCF-style: chr12-80651771-G-C.
Other names: c.1878G>C, p.Arg626Ser (NM_001368062.3, NM_001378610.3, NM_173591.7); short protein forms R617S, R626S.
Identifiers: ClinVar variation 1704853 (VCV001704853.2), dbSNP rs769796121, ClinGen allele CA385854408.

ClinVar aggregate classification (germline): Uncertain significance (1 of 4 stars; one submission).

gnomAD v4.1: 3 of 1,579,000 alleles (0.00019%); highest among the groups gnomAD compares: East Asian, 0.0067%; no homozygotes.

Submission:

GeneDx
Classification: Uncertain significance. Last evaluated: 2022-03-08. Review status: criteria provided, single submitter. Criteria: GeneDx Variant Classification Process June 2021. Collection method: clinical testing. Allele origin: germline. Affected: yes.
Comment: Not observed at significant frequency in large population cohorts (gnomAD); In silico analysis supports that this missense variant has a deleterious effect on protein structure/function; Has not been previously published as pathogenic or benign to our knowledge